The following is an entry in ClinVar:

NM_001089.3(ABCA3):c.905G>A (p.Trp302Ter)

Gene: ABCA3 (ATP binding cassette subfamily A member 3; minus strand). Cytogenetic location: 16p13.3.
Variant type: single nucleotide variant.
Coding change: c.905G>A on transcript NM_001089.3 (MANE Select); coding-DNA position 905, G replaced by A.
Protein change: p.Trp302Ter; replaces tryptophan 302 with a stop codon.
Molecular consequence: nonsense.
Genome position (GRCh38, 1-based): chr16:2,317,733, C>T on the plus strand (G>A on the coding strand, the complement: ABCA3 is on the minus strand). VCF-style: chr16-2317733-C-T. GRCh37 (hg19) VCF-style: chr16-2367734-C-T.
Other names: short protein forms W302*.
Identifiers: ClinVar variation 5012940 (VCV005012940.1).

ClinVar aggregate classification (germline): Pathogenic (1 of 4 stars; one submission).

Conditions:
Interstitial lung disease due to ABCA3 deficiency. Also called: PULMONARY ALVEOLAR PROTEINOSIS, CONGENITAL, 3. Identifiers: Orphanet 440402, MedGen C1970456, MONDO:0012582, OMIM 610921.

Submission:

Myriad Genetics, Inc.
Classification: Pathogenic for Interstitial lung disease due to ABCA3 deficiency. Last evaluated: 2024-04-23. Review status: criteria provided, single submitter. Criteria: Myriad Autosomal Dominant, Autosomal Recessive and X-Linked Classification Criteria (2023). Collection method: clinical testing. Allele origin: unknown.
Comment: NM_001089.2(ABCA3):c.905G>A(W302*) is expected to be pathogenic in the context of surfactant deficiency, ABCA3-related. This variant is predicted to lead to an abnormal or absent protein product due to the creation of a premature termination codon in ABCA3, a gene where loss-of-function variants are known to be pathogenic. Please note: this variant was assessed in the context of healthy population screening.